The following is an entry in ClinVar:

ClinVar aggregate classification (germline): Uncertain significance (1 of 4 stars; one submission).

Submission:

Dasa
Classification: Uncertain significance. Last evaluated: 2026-05-04. Review status: criteria provided, single submitter. Criteria: DASA Assertion Criteria. Collection method: clinical testing. Allele origin: germline.
Comment: NM_001303052.2(MYT1L):c.2056A>G (p.Ser686Gly) is a missense variant that results in the substitution of serine with glycine. This variant is rare in population databases. The currently available literature and clinical evidence are not sufficient to establish a definitive association between this variant and the reported condition. Therefore, this variant is classified as a variant of uncertain significance.

NM_001303052.2(MYT1L):c.2056A>G (p.Ser686Gly)

Gene: MYT1L (myelin transcription factor 1 like; minus strand). Cytogenetic location: 2p25.3.
Variant type: single nucleotide variant.
Coding change: c.2056A>G on transcript NM_001303052.2 (MANE Select); coding-DNA position 2056, A replaced by G.
Protein change: p.Ser686Gly; replaces serine 686 with glycine.
Molecular consequence: missense variant.
Genome position (GRCh38, 1-based): chr2:1,892,264, T>C on the plus strand (A>G on the coding strand, the complement: MYT1L is on the minus strand). VCF-style: chr2-1892264-T-C. GRCh37 (hg19) VCF-style: chr2-1896036-T-C.
Other names: c.2056A>G, p.Ser686Gly (NM_001329844.2, NM_001329845.1, NM_001329851.3); c.2050A>G, p.Ser684Gly (NM_001329846.3, NM_001329847.2, NM_001329848.1 and 3 more transcripts); short protein forms S684G, S686G.
Identifiers: ClinVar variation 5020627 (VCV005020627.1).
Genomic context (GRCh38, chr2:1,892,264, plus strand): 5'-CGCAGCTCAGGTTGCTGCTGCTGCTGGGCGCGTAGCTGCTGGTGCTGCTGCTGCTGGGGC[T>C]GGGGTCCTTGCAGTACCGCTTCGCTGGGGAGACAGGGACAGGGATGACTCAGGCCCCGGC-3'
Protein context (NP_001289981.1, residues 676-696): DDAKRYCKDP[Ser686Gly]PSSSSTSSYA